The following is an entry in ClinVar:

NM_002016.2(FLG):c.6769G>T (p.Glu2257Ter)

Genes: CCDST (cervical cancer associated DHX9 suppressive transcript; plus strand), FLG (filaggrin; minus strand). Cytogenetic location: 1q21.3.
Variant type: single nucleotide variant.
Coding change: c.6769G>T on transcript NM_002016.2 (MANE Select); coding-DNA position 6769, G replaced by T.
Protein change: p.Glu2257Ter; replaces glutamic acid 2257 with a stop codon.
Molecular consequence: nonsense.
Genome position (GRCh38, 1-based): chr1:152,308,117, C>A on the plus strand (G>T on the coding strand, the complement: FLG is on the minus strand). VCF-style: chr1-152308117-C-A. GRCh37 (hg19) VCF-style: chr1-152280593-C-A.
Other names: short protein forms E2257*.
Identifiers: ClinVar variation 4881612 (VCV004881612.2).

ClinVar aggregate classification (germline): Uncertain significance (1 of 4 stars; one submission).

gnomAD v4.1: 45 of 1,613,952 alleles (0.0028%); highest among the groups gnomAD compares: Non-Finnish European, 0.0036%; no homozygotes.

Submission:

Dasa
Classification: Uncertain significance. Last evaluated: 2026-04-27. Review status: criteria provided, single submitter. Criteria: DASA Assertion Criteria. Collection method: clinical testing. Allele origin: germline.
Comment: NM_002016.2(FLG):c.6769G>T (p.Glu2257*) is a nonsense variant in FLG predicted to introduce a premature termination codon and is predicted to result in an absent or altered protein product. This variant is rare in population databases. The currently available literature and clinical evidence are not sufficient to establish a definitive association between this variant and the reported condition. Therefore, this variant is classified as a variant of uncertain significance.